The following is an entry in ClinVar:

ClinVar aggregate classification (germline): Uncertain significance (1 of 4 stars; one submission).

Conditions:
EP300-related disorder. Also called: EP300-related condition; EP300-related disorders.

Submission:

PreventionGenetics, part of Exact Sciences
Classification: Uncertain significance for EP300-related condition. Last evaluated: 2026-04-18. Review status: criteria provided, single submitter. Criteria: ACMG Guidelines, 2015. Collection method: clinical testing. Allele origin: germline.
Comment: The EP300 c.7210T>G variant is predicted to result in the amino acid substitution p.Ser2404Ala. To our knowledge, this variant has not been reported in the literature or in a large population database (gnomAD), indicating this variant is rare. At this time, the clinical significance of this variant is uncertain due to the absence of conclusive functional and genetic evidence.

NM_001429.4(EP300):c.7210T>G (p.Ser2404Ala)

Gene: EP300 (EP300 lysine acetyltransferase; plus strand). Cytogenetic location: 22q13.2.
Variant type: single nucleotide variant.
Coding change: c.7210T>G on transcript NM_001429.4 (MANE Select); coding-DNA position 7210, T replaced by G.
Protein change: p.Ser2404Ala; replaces serine 2404 with alanine.
Molecular consequence: missense variant.
Genome position (GRCh38, 1-based): chr22:41,178,921, T>G. VCF-style: chr22-41178921-T-G. GRCh37 (hg19) VCF-style: chr22-41574925-T-G.
Other names: c.7132T>G, p.Ser2378Ala (NM_001362843.2); short protein forms S2378A, S2404A.
Identifiers: ClinVar variation 4997465 (VCV004997465.1).